The following is an entry in ClinVar:

ClinVar aggregate classification (germline): Uncertain significance (1 of 4 stars; one submission).

gnomAD v4.1: 1 of 1,614,152 alleles (0.000062%); highest among the groups gnomAD compares: South Asian, 0.0011%; no homozygotes.

Submission:

CeGaT Center for Human Genetics Tuebingen
Classification: Uncertain significance. Last evaluated: 2026-08-01. Review status: criteria provided, single submitter. Criteria: CeGaT Center For Human Genetics Tuebingen Variant Classification Criteria Version 2. Collection method: clinical testing. Allele origin: germline. Affected: yes. Observed: 1 variant allele.
Comment: ANO6: PM2, PP3

NM_001025356.3(ANO6):c.2084A>G (p.Asn695Ser)

Gene: ANO6 (anoctamin 6; plus strand). Cytogenetic location: 12q12.
Variant type: single nucleotide variant.
Coding change: c.2084A>G on transcript NM_001025356.3 (MANE Select); coding-DNA position 2084, A replaced by G.
Protein change: p.Asn695Ser; replaces asparagine 695 with serine.
Molecular consequence: missense variant.
Genome position (GRCh38, 1-based): chr12:45,416,771, A>G. VCF-style: chr12-45416771-A-G. GRCh37 (hg19) VCF-style: chr12-45810554-A-G.
Other names: c.2030A>G, p.Asn677Ser (NM_001142678.2); c.2084A>G, p.Asn695Ser (NM_001142679.2); c.2147A>G, p.Asn716Ser (NM_001204803.2); c.2051A>G, p.Asn684Ser (NM_001410973.1); short protein forms N677S, N684S, N695S, N716S.
Identifiers: ClinVar variation 5041482 (VCV005041482.1).
Genomic context (GRCh38, chr12:45,416,771, plus strand): 5'-GGTTCGTCACCTTATTTGTGGCCTCTTTTCCACTGGCCCCTCTGTTGGCTCTCGTGAACA[A>G]TATATTGGAAATAAGAGTGGACGCATGGAAACTGACCACCCAGTTTAGACGCCTGGTACC-3'
Protein context (NP_001020527.2, residues 685-705): PLAPLLALVN[Asn695Ser]ILEIRVDAWK